The following is an entry in ClinVar:

NM_201253.3(CRB1):c.57dup (p.Ile20fs)

Gene: CRB1 (crumbs cell polarity complex component 1; plus strand). Cytogenetic location: 1q31.3.
Variant type: Duplication.
Coding change: c.57dup on transcript NM_201253.3 (MANE Select); coding-DNA position 57, one base duplicated (T; older notation c.57dupT).
Protein change: p.Ile20fs; shifts the reading frame from isoleucine 20.
Molecular consequence: frameshift variant. On other transcripts: non-coding transcript variant (2), intron variant (1).
Genome position (GRCh38, 1-based): chr1:197,268,469, T duplicated; the last of 2 consecutive T bases (chr1:197,268,468-197,268,469); duplicating either gives the same sequence. VCF-style (leftmost placement, unchanged base first): chr1-197268467-C-CT. GRCh37 (hg19) VCF-style: chr1-197237597-C-CT.
Other names: c.57dupT (NM_201253.2); c.57dup, p.Ile20fs (NM_001193640.2, NM_001257966.2); c.-212-33971dup (NM_001257965.2); short protein forms I20fs.
Identifiers: ClinVar variation 871211 (VCV000871211.54), dbSNP rs1343680080, ClinGen allele CA528401853.

ClinVar aggregate classification (germline): Pathogenic/Likely pathogenic. Review status: criteria provided, multiple submitters, no conflicts (2 of 4 stars). 9 submissions from 8 submitters: Pathogenic (7); Likely pathogenic (1). 1 of the submissions does not count toward it. Last evaluated 2025-10-06.

Conditions:
Pigmented paravenous retinochoroidal atrophy. Identifiers: Orphanet 251295, MedGen C1868310, MONDO:0008246, OMIM 172870.
Retinitis pigmentosa 12 (RP12). Also called: RP WITH OR WITHOUT PPRPE; RP WITH OR WITHOUT PRESERVED PARAARTERIOLE RETINAL PIGMENT EPITHELIUM; RETINITIS PIGMENTOSA WITH OR WITHOUT PARAARTERIOLAR PRESERVATION OF RETINAL PIGMENT EPITHELIUM. Identifiers: Orphanet 791, MedGen C1838647, MONDO:0010818, OMIM 600105.
Leber congenital amaurosis 8 (LCA8). Identifiers: Orphanet 65, MedGen C3151202, MONDO:0013453, OMIM 613835.
Inborn genetic diseases. Identifiers: MedGen C0950123, MeSH D030342.
Leber congenital amaurosis (LCA). Also called: Leber's amaurosis. Identifiers: Orphanet 65, MedGen C0339527, MeSH D057130, MONDO:0018998.

Submissions (9):

Natera, Inc.
Classification: Pathogenic for Leber congenital amaurosis. Last evaluated: 2025-10-06. Review status: criteria provided, single submitter. Criteria: Natera Variant Classification Schema (03/2026). Collection method: clinical testing. Allele origin: germline.
Comment: The c.57dupT variant in CRB1 is a frameshift variant predicted to shift the reading frame beginning at codon 20 and leads to a stop codon 10 codons downstream. This variant is expected to result in nonsense mediated decay, truncation, or a dysfunctional protein product. This variant is rare in the general population with a frequency below the threshold expected for the associated phenotype(s). This variant has been observed in one or more individuals affected with the associated recessive disease, as either homozygous or compound heterozygous with a second variant (PMID: 36819107). Given the available evidence, this variant is classified as Pathogenic.

Fulgent Genetics
Classification: Likely pathogenic for Pigmented paravenous retinochoroidal atrophy; Retinitis pigmentosa 12; Leber congenital amaurosis 8. Last evaluated: 2024-03-27. Review status: criteria provided, single submitter. Criteria: ACMG Guidelines, 2015. Collection method: clinical testing. Allele origin: germline.

Baylor Genetics
Classification: Pathogenic for Leber congenital amaurosis 8. Last evaluated: 2024-03-24. Review status: criteria provided, single submitter. Criteria: ACMG Guidelines, 2015. Collection method: clinical testing. Allele origin: unknown.

Labcorp Genetics (formerly Invitae), Labcorp
Classification: Pathogenic for Leber congenital amaurosis 8; Retinitis pigmentosa 12. Last evaluated: 2023-05-13. Review status: criteria provided, single submitter. Criteria: Invitae Variant Classification Sherloc (09022015). Collection method: clinical testing. Allele origin: germline.
Comment: This sequence change creates a premature translational stop signal (p.Ile20Tyrfs*10) in the CRB1 gene. It is expected to result in an absent or disrupted protein product. Loss-of-function variants in CRB1 are known to be pathogenic (PMID: 10508521, 22065545, 23379534, 25412400, 26957898, 28041643, 29391521). This variant is present in population databases (no rsID available, gnomAD 0.0009%). This premature translational stop signal has been observed in individual(s) with Leber congenital amaurosis (PMID: 17964524). This variant is also known as Leu19 ins1. ClinVar contains an entry for this variant (Variation ID: 871211). For these reasons, this variant has been classified as Pathogenic.

Genome-Nilou Lab
Classification: Pathogenic for Leber congenital amaurosis 8. Last evaluated: 2023-04-11. Review status: criteria provided, single submitter. Criteria: ACMG Guidelines, 2015. Collection method: clinical testing. Allele origin: germline. Affected: no.

Genome-Nilou Lab
Classification: Pathogenic for Retinitis pigmentosa 12. Last evaluated: 2023-04-11. Review status: criteria provided, single submitter. Criteria: ACMG Guidelines, 2015. Collection method: clinical testing. Allele origin: germline. Affected: no.

CeGaT Center for Human Genetics Tuebingen
Classification: Pathogenic. Last evaluated: 2017-09-01. Review status: criteria provided, single submitter. Criteria: CeGaT Center For Human Genetics Tuebingen Variant Classification Criteria Version 2. Collection method: clinical testing. Allele origin: germline. Affected: yes. Observed: 1 variant allele.

Ambry Genetics
Classification: Pathogenic for Inborn genetic diseases. Last evaluated: 2016-09-15. Review status: criteria provided, single submitter. Criteria: Ambry exome assertion method (8-5-2015). Collection method: clinical testing. Allele origin: germline. Affected: yes. Observed: 1 variant allele.

Laboratory of Genetics in Ophthalmology, Institut Imagine
Classification: Pathogenic for Leber congenital amaurosis 8. Review status: no assertion criteria provided. Collection method: research. Allele origin: maternal. Affected: yes. Observed: 1 variant allele. Not counted in ClinVar's aggregate classification.

Literature cited by the submitters: PubMed 36819107 (cited by Natera, Inc.); PubMed 10508521 (cited by Labcorp Genetics (formerly Invitae), Labcorp); PubMed 22065545 (cited by Labcorp Genetics (formerly Invitae), Labcorp); PubMed 23379534 (cited by Labcorp Genetics (formerly Invitae), Labcorp); PubMed 25412400 (cited by Labcorp Genetics (formerly Invitae), Labcorp); PubMed 26957898 (cited by Labcorp Genetics (formerly Invitae), Labcorp); PubMed 28041643 (cited by Labcorp Genetics (formerly Invitae), Labcorp); PubMed 29391521 (cited by Labcorp Genetics (formerly Invitae), Labcorp); PubMed 17964524 (cited by Labcorp Genetics (formerly Invitae), Labcorp and Laboratory of Genetics in Ophthalmology, Institut Imagine).